The following is an entry in ClinVar:

ClinVar aggregate classification (germline): Uncertain significance (1 of 4 stars; one submission).

Submission:

Labcorp Genetics (formerly Invitae), Labcorp
Classification: Uncertain significance. Last evaluated: 2021-02-21. Review status: criteria provided, single submitter. Criteria: Invitae Variant Classification Sherloc (09022015). Collection method: clinical testing. Allele origin: germline.
Comment: This sequence change replaces glutamine with proline at codon 1740 of the SBF1 protein (p.Gln1740Pro). The glutamine residue is moderately conserved and there is a moderate physicochemical difference between glutamine and proline. This variant is not present in population databases (ExAC no frequency). This variant has not been reported in the literature in individuals with SBF1-related conditions. Algorithms developed to predict the effect of missense changes on protein structure and function (SIFT, PolyPhen-2, Align-GVGD) all suggest that this variant is likely to be tolerated, but these predictions have not been confirmed by published functional studies and their clinical significance is uncertain. In summary, the available evidence is currently insufficient to determine the role of this variant in disease. Therefore, it has been classified as a Variant of Uncertain Significance.

NM_002972.4(SBF1):c.5219A>C (p.Gln1740Pro)

Gene: SBF1 (SET binding factor 1; minus strand). Cytogenetic location: 22q13.33.
Variant type: single nucleotide variant.
Coding change: c.5219A>C on transcript NM_002972.4 (MANE Select); coding-DNA position 5219, A replaced by C.
Protein change: p.Gln1740Pro; replaces glutamine 1740 with proline.
Molecular consequence: missense variant.
Genome position (GRCh38, 1-based): chr22:50,448,377, T>G on the plus strand (A>C on the coding strand, the complement: SBF1 is on the minus strand). VCF-style: chr22-50448377-T-G. GRCh37 (hg19) VCF-style: chr22-50886806-T-G.
Other names: c.5144A>C, p.Gln1715Pro (NM_001365819.1); short protein forms Q1715P, Q1740P.
Identifiers: ClinVar variation 1374788 (VCV001374788.8), dbSNP rs752849602, ClinGen allele CA412187131.